The following is an entry in ClinVar:

ClinVar aggregate classification (germline): Uncertain significance (1 of 4 stars; one submission).

Allele frequency attached by ClinVar (database versions not stated): gnomAD exomes below 0.00001; ExAC 0.00001.
gnomAD v4.1: 2 of 1,614,178 alleles (0.00012%); highest among the groups gnomAD compares: Non-Finnish European, 0.00017%; no homozygotes.

Submission:

Labcorp Genetics (formerly Invitae), Labcorp
Classification: Uncertain significance. Last evaluated: 2022-07-13. Review status: criteria provided, single submitter. Criteria: Invitae Variant Classification Sherloc (09022015). Collection method: clinical testing. Allele origin: germline.
Comment: This variant has not been reported in the literature in individuals affected with DMXL2-related conditions. Algorithms developed to predict the effect of missense changes on protein structure and function are either unavailable or do not agree on the potential impact of this missense change (SIFT: "Tolerated"; PolyPhen-2: "Possibly Damaging"; Align-GVGD: "Class C0"). In summary, the available evidence is currently insufficient to determine the role of this variant in disease. Therefore, it has been classified as a Variant of Uncertain Significance. This variant is present in population databases (rs756182226, gnomAD 0.002%). This sequence change replaces threonine, which is neutral and polar, with alanine, which is neutral and non-polar, at codon 2575 of the DMXL2 protein (p.Thr2575Ala).

NM_001378457.1(DMXL2):c.7723A>G (p.Thr2575Ala)

Gene: DMXL2 (Dmx like 2; minus strand). Cytogenetic location: 15q21.2.
Variant type: single nucleotide variant.
Coding change: c.7723A>G on transcript NM_001378457.1 (MANE Select); coding-DNA position 7723, A replaced by G.
Protein change: p.Thr2575Ala; replaces threonine 2575 with alanine.
Molecular consequence: missense variant. On other transcripts: non-coding transcript variant (1), intron variant (2).
Genome position (GRCh38, 1-based): chr15:51,464,760, T>C on the plus strand (A>G on the coding strand, the complement: DMXL2 is on the minus strand). VCF-style: chr15-51464760-T-C. GRCh37 (hg19) VCF-style: chr15-51756957-T-C.
Other names: c.7723A>G, p.Thr2575Ala (NM_001174116.3, NM_001378461.1); c.5812A>G, p.Thr1938Ala (NM_001174117.3); c.7720A>G, p.Thr2574Ala (NM_001378458.1, NM_001378462.1, NM_015263.5); c.5701A>G, p.Thr1901Ala (NM_001378460.1); c.7480A>G, p.Thr2494Ala (NM_001378464.1); c.7521-1264A>G (NM_001378459.1); c.7606+806A>G (NM_001378463.1); short protein forms T1901A, T2494A, T1938A, T2575A, T2574A.
Identifiers: ClinVar variation 2092720 (VCV002092720.4), dbSNP rs756182226, ClinGen allele CA7561244.